The following is an entry in ClinVar:

NM_025179.4(PLXNA2):c.2207G>A (p.Gly736Asp)

Gene: PLXNA2 (plexin A2; minus strand). Cytogenetic location: 1q32.2.
Variant type: single nucleotide variant.
Coding change: c.2207G>A on transcript NM_025179.4 (MANE Select); coding-DNA position 2207, G replaced by A.
Protein change: p.Gly736Asp; replaces glycine 736 with aspartic acid.
Molecular consequence: missense variant.
Genome position (GRCh38, 1-based): chr1:208,084,471, C>T on the plus strand (G>A on the coding strand, the complement: PLXNA2 is on the minus strand). VCF-style: chr1-208084471-C-T. GRCh37 (hg19) VCF-style: chr1-208257816-C-T.
Other names: short protein forms G736D.
Identifiers: ClinVar variation 3346094 (VCV003346094.1).

ClinVar aggregate classification (germline): Uncertain significance (0 of 4 stars; one submission).

Conditions:
PLXNA2-related disorder. Also called: PLXNA2-related condition.

Submission:

PreventionGenetics, part of Exact Sciences
Classification: Uncertain significance for PLXNA2-related condition. Last evaluated: 2024-06-25. Review status: no assertion criteria provided. Collection method: clinical testing. Allele origin: germline.
Comment: The PLXNA2 c.2207G>A variant is predicted to result in the amino acid substitution p.Gly736Asp. To our knowledge, this variant has not been reported in the literature or in a large population database (gnomAD), indicating this variant is rare. At this time, the clinical significance of this variant is uncertain due to the absence of conclusive functional and genetic evidence.